The following is an entry in ClinVar:

ClinVar aggregate classification (germline): Pathogenic (1 of 4 stars; one submission).

Submission:

Labcorp Genetics (formerly Invitae), Labcorp
Classification: Pathogenic. Last evaluated: 2024-01-05. Review status: criteria provided, single submitter. Criteria: Invitae Variant Classification Sherloc (09022015). Collection method: clinical testing. Allele origin: germline.
Comment: This sequence change creates a premature translational stop signal (p.Ser569Argfs*6) in the ADAMTSL4 gene. It is expected to result in an absent or disrupted protein product. Loss-of-function variants in ADAMTSL4 are known to be pathogenic (PMID: 20564469, 28642162). This variant is present in population databases (no rsID available, gnomAD 0.003%). This variant has not been reported in the literature in individuals affected with ADAMTSL4-related conditions. Algorithms developed to predict the effect of sequence changes on RNA splicing suggest that this variant may disrupt the consensus splice site. For these reasons, this variant has been classified as Pathogenic.

Literature cited by the submitters: PubMed 20564469; PubMed 28642162.

NM_019032.6(ADAMTSL4):c.1703_1706dup (p.Ser569fs)

Genes: ADAMTSL4 (ADAMTS like 4; plus strand), ADAMTSL4-AS2 (ADAMTSL4 antisense RNA 2; minus strand). Cytogenetic location: 1q21.2.
Variant type: Microsatellite.
Coding change: c.1703_1706dup on transcript NM_019032.6 (MANE Select); coding-DNA positions 1703 to 1706, 4 bases duplicated (AGAG; older notation c.1703_1706dupAGAG).
Protein change: p.Ser569fs; shifts the reading frame from serine 569.
Molecular consequence: frameshift variant.
Genome position (GRCh38, 1-based): chr1:150,556,747-150,556,750, AGAG duplicated; duplicating any 4 consecutive bases within chr1:150,556,746-150,556,750 gives the same sequence; the c. name uses the placement nearest the transcript's 3' end. VCF-style (leftmost placement, unchanged base first): chr1-150556745-G-GGAGA. GRCh37 (hg19) VCF-style: chr1-150529221-G-GGAGA.
Other names: c.1772_1775dup, p.Ser592fs (NM_001288607.2, NM_001288608.2); c.1703_1706dup, p.Ser569fs (NM_001378596.1, NM_025008.5); short protein forms S569fs, S592fs.
Identifiers: ClinVar variation 2707758 (VCV002707758.3), dbSNP rs1411185199, ClinGen allele CA526260778.